The following is an entry in ClinVar:

NM_001271.4(CHD2):c.2429T>A (p.Val810Glu)

Gene: CHD2 (chromodomain helicase DNA binding protein 2; plus strand). Cytogenetic location: 15q26.1.
Variant type: single nucleotide variant.
Coding change: c.2429T>A on transcript NM_001271.4 (MANE Select); coding-DNA position 2429, T replaced by A.
Protein change: p.Val810Glu; replaces valine 810 with glutamic acid.
Molecular consequence: missense variant.
Genome position (GRCh38, 1-based): chr15:92,972,341, T>A. VCF-style: chr15-92972341-T-A. GRCh37 (hg19) VCF-style: chr15-93515571-T-A.
Other names: short protein forms V810E.
Identifiers: ClinVar variation 3897392 (VCV003897392.1).

ClinVar aggregate classification (germline): Uncertain significance (1 of 4 stars; one submission).

Submission:

GeneDx
Classification: Uncertain significance. Last evaluated: 2024-10-29. Review status: criteria provided, single submitter. Criteria: GeneDx Variant Classification Process June 2021. Collection method: clinical testing. Allele origin: germline. Affected: yes.
Comment: Not observed at significant frequency in large population cohorts (gnomAD); In silico analysis supports that this missense variant has a deleterious effect on protein structure/function; Has not been previously published as pathogenic or benign to our knowledge